The following is an entry in ClinVar:

NM_001378454.1(ALMS1):c.5312A>G (p.Gln1771Arg)

Gene: ALMS1 (ALMS1 centrosome and basal body associated protein; plus strand). Cytogenetic location: 2p13.1.
Variant type: single nucleotide variant.
Coding change: c.5312A>G on transcript NM_001378454.1 (MANE Select); coding-DNA position 5312, A replaced by G.
Protein change: p.Gln1771Arg; replaces glutamine 1771 with arginine.
Molecular consequence: missense variant.
Genome position (GRCh38, 1-based): chr2:73,451,839, A>G. VCF-style: chr2-73451839-A-G. GRCh37 (hg19) VCF-style: chr2-73678966-A-G.
Other names: c.5315A>G, p.Gln1772Arg (NM_015120.4); short protein forms Q1771R, Q1772R.
Identifiers: ClinVar variation 3364934 (VCV003364934.2).
Genomic context (GRCh38, chr2:73,451,839, plus strand): 5'-TATCTACTGTAACTTCCTCTTTCTATTCACATACAGAGAAGCCTAATATTTCTTACCAGC[A>G]AGAGTTGCCAGATAGTCATCTAACTGAAGAGGCTCTGAAAGTTTCAAATGTTCCTGGACC-3'
Protein context (NP_001365383.1, residues 1761-1781): HTEKPNISYQ[Gln1771Arg]ELPDSHLTEE

ClinVar aggregate classification (germline): Uncertain significance. Review status: criteria provided, multiple submitters, no conflicts (2 of 4 stars). 2 submissions from 2 submitters: Uncertain significance (2). Last evaluated 2025-08-05.

Conditions:
Cardiovascular phenotype. Identifiers: MedGen CN230736.

gnomAD v4.1: 2 of 1,613,938 alleles (0.00012%); highest among the groups gnomAD compares: Non-Finnish European, 0.000085%; no homozygotes.

Submissions (2):

Ambry Genetics
Classification: Uncertain significance for Cardiovascular phenotype. Last evaluated: 2025-08-05. Review status: criteria provided, single submitter. Criteria: Ambry Variant Classification Scheme 2023. Collection method: clinical testing. Allele origin: germline.
Comment: The p.Q1772R variant (also known as c.5315A>G), located in coding exon 8 of the ALMS1 gene, results from an A to G substitution at nucleotide position 5315. The glutamine at codon 1772 is replaced by arginine, an amino acid with highly similar properties. This amino acid position is well conserved in available vertebrate species. In addition, this alteration is predicted to be tolerated by in silico analysis. Based on the available evidence, the clinical significance of this variant remains unclear.

GeneDx
Classification: Uncertain significance. Last evaluated: 2023-11-29. Review status: criteria provided, single submitter. Criteria: GeneDx Variant Classification Process June 2021. Collection method: clinical testing. Allele origin: germline. Affected: yes.
Comment: Has not been previously published as pathogenic or benign to our knowledge; Not observed at significant frequency in large population cohorts (gnomAD); In silico analysis supports that this missense variant does not alter protein structure/function